The following is an entry in ClinVar:

ClinVar aggregate classification (germline): Pathogenic/Likely pathogenic. Review status: criteria provided, multiple submitters, no conflicts (2 of 4 stars). 2 submissions from 2 submitters: Pathogenic (1); Likely pathogenic (1). Last evaluated 2024-09-03.

Conditions:
IMPG1-related disorder. Also called: IMPG1-related condition.

Submissions (2):

Blueprint Genetics
Classification: Likely pathogenic for IMPG1-related disorders. Last evaluated: 2024-09-03. Review status: criteria provided, single submitter. Criteria: ACMG Guidelines, 2015. Collection method: clinical testing. Allele origin: germline. Affected: yes. Observed: 1 variant allele.

Labcorp Genetics (formerly Invitae), Labcorp
Classification: Pathogenic. Last evaluated: 2023-08-10. Review status: criteria provided, single submitter. Criteria: Invitae Variant Classification Sherloc (09022015). Collection method: clinical testing. Allele origin: germline.
Comment: This sequence change creates a premature translational stop signal (p.Gly463Alafs*13) in the IMPG1 gene. It is expected to result in an absent or disrupted protein product. Loss-of-function variants in IMPG1 are known to be pathogenic (PMID: 23993198). This variant is not present in population databases (gnomAD no frequency). This variant has not been reported in the literature in individuals affected with IMPG1-related conditions. ClinVar contains an entry for this variant (Variation ID: 2116048). For these reasons, this variant has been classified as Pathogenic.

Literature cited by the submitters: PubMed 23993198 (cited by Labcorp Genetics (formerly Invitae), Labcorp).

NM_001563.4(IMPG1):c.1388del (p.Gly463fs)

Gene: IMPG1 (interphotoreceptor matrix proteoglycan 1; minus strand). Cytogenetic location: 6q14.1.
Variant type: Deletion.
Coding change: c.1388del on transcript NM_001563.4 (MANE Select); coding-DNA position 1388, one base deleted (G; older notation c.1388delG).
Protein change: p.Gly463fs; shifts the reading frame from glycine 463.
Molecular consequence: frameshift variant.
Genome position (GRCh38, 1-based): chr6:75,950,998, C deleted on the plus strand (G on the coding strand, the reverse complement: IMPG1 is on the minus strand); the first of 2 consecutive C bases (chr6:75,950,998-75,950,999); deleting either gives the same sequence. VCF-style (leftmost placement, unchanged base first): chr6-75950997-GC-G. GRCh37 (hg19) VCF-style: chr6-76660714-GC-G.
Other names: c.1154del, p.Gly385fs (NM_001282368.2); short protein forms G463fs, G385fs.
Identifiers: ClinVar variation 2116048 (VCV002116048.5), dbSNP rs1446153272, ClinGen allele CA828162358.